The following is an entry in ClinVar:

ClinVar aggregate classification (germline): Uncertain significance (1 of 4 stars; one submission).

Conditions:
Intellectual developmental disorder, autosomal dominant 33. Also called: Intellectual disability, autosomal dominant 33. Identifiers: MedGen C4225375, MONDO:0014580, OMIM 616311.

Allele frequency attached by ClinVar (database versions not stated): TOPMed 0.00001.

Submission:

Baylor Genetics
Classification: Uncertain significance for Intellectual developmental disorder, autosomal dominant 33. Last evaluated: 2019-02-13. Review status: criteria provided, single submitter. Criteria: ACMG Guidelines, 2015. Collection method: clinical testing. Allele origin: unknown. Affected: yes.
Comment: This variant was determined to be of uncertain significance according to ACMG Guidelines, 2015 [PMID:25741868].

NM_001039350.3(DPP6):c.19A>G (p.Ile7Val)

Gene: DPP6 (dipeptidyl peptidase like 6; plus strand). Cytogenetic location: 7q36.2.
Variant type: single nucleotide variant.
Coding change: c.19A>G on transcript NM_001039350.3; coding-DNA position 19, A replaced by G.
Protein change: p.Ile7Val; replaces isoleucine 7 with valine.
Molecular consequence: missense variant. On other transcripts: non-coding transcript variant (1), intron variant (4).
Genome position (GRCh38, 1-based): chr7:153,887,702, A>G. VCF-style: chr7-153887702-A-G. GRCh37 (hg19) VCF-style: chr7-153584787-A-G.
Other names: c.19A>G, p.Ile7Val (NM_001364501.2); c.60+138694A>G (NM_001364500.2, NM_001364499.2, NM_001364497.2 and 1 more transcripts); short protein forms I7V.
Identifiers: ClinVar variation 1028479 (VCV001028479.3), dbSNP rs1798992983, ClinGen allele CA370200482.